The following is an entry in ClinVar:

NM_001018111.3(PODXL):c.1102-17_1102-15delinsGAG

Gene: PODXL (podocalyxin like; minus strand). Cytogenetic location: 7q32.3.
Variant type: Indel.
Coding change: c.1102-17_1102-15delinsGAG on transcript NM_001018111.3 (MANE Select); 17 bases into the intron before coding-DNA position 1102 through 15 bases into the intron before coding-DNA position 1102, CGC replaced by GAG.
Molecular consequence: intron variant.
Genome position (GRCh38, 1-based): chr7:131,506,741-131,506,743, GCG replaced by CTC on the plus strand (CGC replaced by GAG on the coding strand, the reverse complement: PODXL is on the minus strand). VCF-style: chr7-131506741-GCG-CTC. GRCh37 (hg19) VCF-style: chr7-131191500-GCG-CTC.
Other names: c.1006-17_1006-15delinsGAG (NM_005397.4).
Identifiers: ClinVar variation 3701241 (VCV003701241.2).

ClinVar aggregate classification (germline): Uncertain significance (1 of 4 stars; one submission).

Submission:

Labcorp Genetics (formerly Invitae), Labcorp
Classification: Uncertain significance. Last evaluated: 2025-06-12. Review status: criteria provided, single submitter. Criteria: Invitae Variant Classification Sherloc (09022015). Collection method: clinical testing. Allele origin: germline.
Comment: This sequence change falls in intron 4 of the PODXL gene. It does not directly change the encoded amino acid sequence of the PODXL protein. Information on the frequency of this variant in the gnomAD database is not available, as this variant may be reported differently in the database. This variant has not been reported in the literature in individuals affected with PODXL-related conditions. ClinVar contains an entry for this variant (Variation ID: 3701241). Experimental studies and prediction algorithms are not available or were not evaluated, and the effect of this variant on mRNA splicing is currently unknown. In summary, the available evidence is currently insufficient to determine the role of this variant in disease. Therefore, it has been classified as a Variant of Uncertain Significance.